The following is an entry in ClinVar:

NM_006267.5(RANBP2):c.6893A>T (p.Asp2298Val)

Gene: RANBP2 (RAN binding protein 2; plus strand). Cytogenetic location: 2q13.
Variant type: single nucleotide variant.
Coding change: c.6893A>T on transcript NM_006267.5 (MANE Select); coding-DNA position 6893, A replaced by T.
Protein change: p.Asp2298Val; replaces aspartic acid 2298 with valine.
Molecular consequence: missense variant.
Genome position (GRCh38, 1-based): chr2:108,767,432, A>T. VCF-style: chr2-108767432-A-T. GRCh37 (hg19) VCF-style: chr2-109383888-A-T.
Other names: short protein forms D2298V.
Identifiers: ClinVar variation 940562 (VCV000940562.10), dbSNP rs373099348, ClinGen allele CA348076564.

ClinVar aggregate classification (germline): Uncertain significance (1 of 4 stars; one submission).

Conditions:
Familial acute necrotizing encephalopathy (IIAE3). Also called: ENCEPHALOPATHY, ACUTE, INFECTION-INDUCED, SUSCEPTIBILITY TO, 3; Susceptibility to Acute Necrotizing Encephalopathy 1. Identifiers: Orphanet 88619, MedGen C2675556, MONDO:0011953, OMIM 608033.

Allele frequency attached by ClinVar (database versions not stated): TOPMed 0.00001.
gnomAD v4.1: 31 of 1,611,814 alleles (0.0019%); highest among the groups gnomAD compares: Non-Finnish European, 0.0025%; no homozygotes.

Submission:

Labcorp Genetics (formerly Invitae), Labcorp
Classification: Uncertain significance for Familial acute necrotizing encephalopathy. Last evaluated: 2019-06-15. Review status: criteria provided, single submitter. Criteria: Invitae Variant Classification Sherloc (09022015). Collection method: clinical testing. Allele origin: germline.
Comment: Algorithms developed to predict the effect of missense changes on protein structure and function (SIFT, PolyPhen-2, Align-GVGD) all suggest that this variant is likely to be disruptive, but these predictions have not been confirmed by published functional studies and their clinical significance is uncertain. This variant is not present in population databases (ExAC no frequency). This variant has not been reported in the literature in individuals with RANBP2-related conditions. This sequence change replaces aspartic acid with valine at codon 2298 of the RANBP2 protein (p.Asp2298Val). The aspartic acid residue is highly conserved and there is a large physicochemical difference between aspartic acid and valine. In summary, the available evidence is currently insufficient to determine the role of this variant in disease. Therefore, it has been classified as a Variant of Uncertain Significance.